The following is an entry in ClinVar:

ClinVar aggregate classification (germline): Uncertain significance. Review status: criteria provided, multiple submitters, no conflicts (2 of 4 stars). 2 submissions from 2 submitters: Uncertain significance (2). Last evaluated 2025-08-19.

Conditions:
Dystonic disorder. Also called: Dystonia. Identifiers: MedGen C0013421, MONDO:0003441, HP:0001332.
Inborn genetic diseases. Identifiers: MedGen C0950123, MeSH D030342.

gnomAD v4.1: 9 of 1,614,056 alleles (0.00056%); highest among the groups gnomAD compares: African/African-American, 0.0027%; no homozygotes.

Submissions (2):

Ambry Genetics
Classification: Uncertain significance for Inborn genetic diseases. Last evaluated: 2025-08-19. Review status: criteria provided, single submitter. Criteria: Ambry Variant Classification Scheme 2023. Collection method: clinical testing. Allele origin: germline.

Labcorp Genetics (formerly Invitae), Labcorp
Classification: Uncertain significance for Dystonic disorder. Last evaluated: 2024-02-17. Review status: criteria provided, single submitter. Criteria: Invitae Variant Classification Sherloc (09022015). Collection method: clinical testing. Allele origin: germline.
Comment: This sequence change replaces valine, which is neutral and non-polar, with leucine, which is neutral and non-polar, at codon 112 of the SPR protein (p.Val112Leu). This variant is present in population databases (no rsID available, gnomAD 0.004%). This variant has not been reported in the literature in individuals affected with SPR-related conditions. Advanced modeling of protein sequence and biophysical properties (such as structural, functional, and spatial information, amino acid conservation, physicochemical variation, residue mobility, and thermodynamic stability) performed at Invitae indicates that this missense variant is not expected to disrupt SPR protein function with a negative predictive value of 80%. In summary, the available evidence is currently insufficient to determine the role of this variant in disease. Therefore, it has been classified as a Variant of Uncertain Significance.

NM_003124.5(SPR):c.334G>C (p.Val112Leu)

Gene: SPR (sepiapterin reductase; plus strand). Cytogenetic location: 2p13.2.
Variant type: single nucleotide variant.
Coding change: c.334G>C on transcript NM_003124.5 (MANE Select); coding-DNA position 334, G replaced by C.
Protein change: p.Val112Leu; replaces valine 112 with leucine.
Molecular consequence: missense variant.
Genome position (GRCh38, 1-based): chr2:72,888,343, G>C. VCF-style: chr2-72888343-G-C. GRCh37 (hg19) VCF-style: chr2-73115472-G-C.
Other names: c.334G>C (NM_003124.4); short protein forms V112L.
Identifiers: ClinVar variation 3658830 (VCV003658830.3).